The following is an entry in ClinVar:

NM_001130144.3(LTBP3):c.1965_1966delinsCT (p.Arg656Cys)

Genes: LTBP3 (latent transforming growth factor beta binding protein 3; minus strand), LOC130006032 (ATAC-STARR-seq lymphoblastoid silent region 3535; plus strand). Cytogenetic location: 11q13.1.
Variant type: Indel.
Coding change: c.1965_1966delinsCT on transcript NM_001130144.3 (MANE Select); coding-DNA positions 1965 to 1966, GC replaced by CT.
Protein change: p.Arg656Cys; replaces arginine 656 with cysteine.
Molecular consequence: missense variant.
Genome position (GRCh38, 1-based): chr11:65,547,702-65,547,703, GC replaced by AG on the plus strand (GC replaced by CT on the coding strand, the reverse complement: LTBP3 is on the minus strand). VCF-style: chr11-65547702-GC-AG. GRCh37 (hg19) VCF-style: chr11-65315173-GC-AG.
Other names: c.1965_1966delGCinsCT (NM_001130144.2); c.1614_1615delinsCT, p.Arg539Cys (NM_001164266.1); c.1965_1966delinsCT, p.Arg656Cys (NM_021070.4); short protein forms R656C, R539C.
Identifiers: ClinVar variation 420636 (VCV000420636.2), dbSNP rs1064794603, ClinGen allele CA16619371.

ClinVar aggregate classification (germline): Likely pathogenic (1 of 4 stars; one submission).

Submission:

GeneDx
Classification: Likely pathogenic. Last evaluated: 2019-10-23. Review status: criteria provided, single submitter. Criteria: GeneDx Variant Classification Process June 2021. Collection method: clinical testing. Allele origin: germline. Affected: yes.
Comment: Not observed in large population cohorts (Lek et al., 2016); In silico analysis, which includes protein predictors and evolutionary conservation, supports a deleterious effect; Has not been previously published as pathogenic or benign to our knowledge